The following is an entry in ClinVar:

NM_000352.6(ABCC8):c.1447C>T (p.Gln483Ter)

Gene: ABCC8 (ATP binding cassette subfamily C member 8; minus strand). Cytogenetic location: 11p15.1.
Variant type: single nucleotide variant.
Coding change: c.1447C>T on transcript NM_000352.6 (MANE Select); coding-DNA position 1447, C replaced by T.
Protein change: p.Gln483Ter; replaces glutamine 483 with a stop codon.
Molecular consequence: nonsense. On other transcripts: non-coding transcript variant (1).
Genome position (GRCh38, 1-based): chr11:17,443,198, G>A on the plus strand (C>T on the coding strand, the complement: ABCC8 is on the minus strand). VCF-style: chr11-17443198-G-A. GRCh37 (hg19) VCF-style: chr11-17464745-G-A.
Other names: c.1447C>T, p.Gln483Ter (NM_001287174.3, NM_001351295.2); c.1444C>T, p.Gln482Ter (NM_001351296.2, NM_001351297.2); short protein forms Q482*, Q483*.
Identifiers: ClinVar variation 4062013 (VCV004062013.2).

ClinVar aggregate classification (germline): Likely pathogenic (1 of 4 stars; one submission).

Conditions:
Hereditary hyperinsulinism.

Submission:

Natera, Inc.
Classification: Likely pathogenic for Hereditary hyperinsulinism. Last evaluated: 2025-03-11. Review status: criteria provided, single submitter. Criteria: Natera Variant Classification Schema (03/2026). Collection method: clinical testing. Allele origin: germline.
Comment: The c.1447C>T variant in ABCC8 is a nonsense variant predicted to introduce a stop codon at amino acid 483. This variant is expected to result in nonsense mediated decay, truncation, or a dysfunctional protein product. This variant is rare in the general population with a frequency below the threshold expected for the associated phenotype(s). Given the available evidence, this variant is classified as Likely Pathogenic.